The following is an entry in ClinVar:

NM_004606.5(TAF1):c.5344T>C (p.Ser1782Pro)

Gene: TAF1 (TATA-box binding protein associated factor 1; plus strand). Cytogenetic location: Xq13.1.
Variant type: single nucleotide variant.
Coding change: c.5344T>C on transcript NM_004606.5 (MANE Select); coding-DNA position 5344, T replaced by C.
Protein change: p.Ser1782Pro; replaces serine 1782 with proline.
Molecular consequence: missense variant. On other transcripts: non-coding transcript variant (9).
Genome position (GRCh38, 1-based): chrX:71,460,748, T>C. VCF-style: chrX-71460748-T-C. GRCh37 (hg19) VCF-style: chrX-70680598-T-C.
Other names: c.5350T>C, p.Ser1784Pro (NM_001286074.2); c.5281T>C, p.Ser1761Pro (NM_138923.4); short protein forms S1761P, S1784P, S1782P.
Identifiers: ClinVar variation 3173391 (VCV003173391.3), dbSNP rs2522450696, ClinGen allele CA413529932.

ClinVar aggregate classification (germline): Uncertain significance. Review status: criteria provided, multiple submitters, no conflicts (2 of 4 stars). 2 submissions from 2 submitters: Uncertain significance (2). Last evaluated 2025-10-23.

Conditions:
Inborn genetic diseases. Identifiers: MedGen C0950123, MeSH D030342.

Allele frequency attached by ClinVar (database versions not stated): gnomAD exomes below 0.00001.
gnomAD v4.1: 2 of 1,204,734 alleles (0.00017%); highest among the groups gnomAD compares: Non-Finnish European, 0.00022%; no homozygotes.

Submissions (2):

GeneDx
Classification: Uncertain significance. Last evaluated: 2025-10-23. Review status: criteria provided, single submitter. Criteria: GeneDx Variant Classification Process June 2021. Collection method: clinical testing. Allele origin: germline.
Comment: Not observed at significant frequency in large population cohorts (gnomAD); In silico analysis supports that this missense variant does not alter protein structure/function; Has not been previously published as pathogenic or benign to our knowledge

Ambry Genetics
Classification: Uncertain significance for Inborn genetic diseases. Last evaluated: 2023-10-05. Review status: criteria provided, single submitter. Criteria: Ambry Variant Classification Scheme 2023. Collection method: clinical testing. Allele origin: germline.